The following is an entry in ClinVar:

NM_001378120.1(MBD5):c.977C>G (p.Ala326Gly)

Gene: MBD5 (methyl-CpG binding domain protein 5; plus strand). Cytogenetic location: 2q23.1.
Variant type: single nucleotide variant.
Coding change: c.977C>G on transcript NM_001378120.1 (MANE Select); coding-DNA position 977, C replaced by G.
Protein change: p.Ala326Gly; replaces alanine 326 with glycine.
Molecular consequence: missense variant.
Genome position (GRCh38, 1-based): chr2:148,468,920, C>G. VCF-style: chr2-148468920-C-G. GRCh37 (hg19) VCF-style: chr2-149226489-C-G.
Other names: c.977C>G, p.Ala326Gly (NM_001438854.1, NM_001438855.1, NM_001438856.1 and 7 more transcripts); short protein forms A326G.
Identifiers: ClinVar variation 4746432 (VCV004746432.1).

ClinVar aggregate classification (germline): Uncertain significance (1 of 4 stars; one submission).

Conditions:
Intellectual developmental disorder, autosomal dominant 1. Also called: MBD5 Haploinsufficiency; Intellectual disability, autosomal dominant 1. Identifiers: Orphanet 228402, MedGen C1969562, MONDO:0007974, OMIM 156200.

Submission:

Labcorp Genetics (formerly Invitae), Labcorp
Classification: Uncertain significance for Intellectual developmental disorder, autosomal dominant 1. Last evaluated: 2025-06-11. Review status: criteria provided, single submitter. Criteria: Invitae Variant Classification Sherloc (09022015). Collection method: clinical testing. Allele origin: germline.
Comment: This sequence change replaces alanine, which is neutral and non-polar, with glycine, which is neutral and non-polar, at codon 326 of the MBD5 protein (p.Ala326Gly). This variant is not present in population databases (gnomAD no frequency). This variant has not been reported in the literature in individuals affected with MBD5-related conditions. Invitae Evidence Modeling of protein sequence and biophysical properties (such as structural, functional, and spatial information, amino acid conservation, physicochemical variation, residue mobility, and thermodynamic stability) indicates that this missense variant is not expected to disrupt MBD5 protein function with a negative predictive value of 80%. In summary, the available evidence is currently insufficient to determine the role of this variant in disease. Therefore, it has been classified as a Variant of Uncertain Significance.